The following is an entry in ClinVar:

NM_000075.4(CDK4):c.41T>C (p.Val14Ala)

Gene: CDK4 (cyclin dependent kinase 4; minus strand). Cytogenetic location: 12q14.1.
Variant type: single nucleotide variant.
Coding change: c.41T>C on transcript NM_000075.4 (MANE Select); coding-DNA position 41, T replaced by C.
Protein change: p.Val14Ala; replaces valine 14 with alanine.
Molecular consequence: missense variant.
Genome position (GRCh38, 1-based): chr12:57,751,677, A>G on the plus strand (T>C on the coding strand, the complement: CDK4 is on the minus strand). VCF-style: chr12-57751677-A-G. GRCh37 (hg19) VCF-style: chr12-58145460-A-G.
Other names: short protein forms V14A.
Identifiers: ClinVar variation 2865832 (VCV002865832.3), dbSNP rs2140388699, ClinGen allele CA385549125.

ClinVar aggregate classification (germline): Uncertain significance (1 of 4 stars; one submission).

Conditions:
Familial melanoma. Also called: Hereditary melanoma; Hereditary cutaneous melanoma. Identifiers: Orphanet 618, MedGen C1512419, MONDO:0018961.

Submission:

Labcorp Genetics (formerly Invitae), Labcorp
Classification: Uncertain significance for Familial melanoma. Last evaluated: 2023-05-20. Review status: criteria provided, single submitter. Criteria: Invitae Variant Classification Sherloc (09022015). Collection method: clinical testing. Allele origin: germline.
Comment: Advanced modeling of protein sequence and biophysical properties (such as structural, functional, and spatial information, amino acid conservation, physicochemical variation, residue mobility, and thermodynamic stability) performed at Invitae indicates that this missense variant is expected to disrupt CDK4 protein function. This sequence change replaces valine, which is neutral and non-polar, with alanine, which is neutral and non-polar, at codon 14 of the CDK4 protein (p.Val14Ala). This variant is not present in population databases (gnomAD no frequency). This variant has not been reported in the literature in individuals affected with CDK4-related conditions. In summary, the available evidence is currently insufficient to determine the role of this variant in disease. Therefore, it has been classified as a Variant of Uncertain Significance.